The following is an entry in ClinVar:

NM_018979.4(WNK1):c.6832G>C (p.Gly2278Arg)

Gene: WNK1 (WNK lysine deficient protein kinase 1; plus strand). Cytogenetic location: 12p13.33.
Variant type: single nucleotide variant.
Coding change: c.6832G>C on transcript NM_018979.4 (MANE Select); coding-DNA position 6832, G replaced by C.
Protein change: p.Gly2278Arg; replaces glycine 2278 with arginine.
Molecular consequence: missense variant.
Genome position (GRCh38, 1-based): chr12:908,475, G>C. VCF-style: chr12-908475-G-C. GRCh37 (hg19) VCF-style: chr12-1017641-G-C.
Other names: c.7612G>C, p.Gly2538Arg (NM_001184985.2); c.6088G>C, p.Gly2030Arg (NM_014823.3); c.7588G>C, p.Gly2530Arg (NM_213655.5); short protein forms G2530R, G2278R, G2030R, G2538R.
Identifiers: ClinVar variation 663737 (VCV000663737.8), dbSNP rs1245571411, ClinGen allele CA383340743.
Genomic context (GRCh38, chr12:908,475, plus strand): 5'-CGCCACACATTTTATACCATGGCCCACACCAGACTTGACACGTGGTGGTTTTGTTTTCAG[G>C]GCCCTGGAATGGCAAGGAAGTTCTCTGCACCTGGGCAACTGTGCATCTCCATGACCTCGA-3'
Protein context (NP_061852.3, residues 2268-2288): RGSKGHMNYE[Gly2278Arg]PGMARKFSAP

ClinVar aggregate classification (germline): Uncertain significance (1 of 4 stars; one submission).

Conditions:
Pseudohypoaldosteronism type 2C (PHA2C). Also called: Pseudohypoaldosteronism Type IIC. Identifiers: Orphanet 757, Orphanet 88940, MedGen C1840391, MONDO:0013778, OMIM 614492.
Neuropathy, hereditary sensory and autonomic, type 2A (HSAN2A). Also called: ACROOSTEOLYSIS, GIACCAI TYPE; ACROOSTEOLYSIS, NEUROGENIC; HSAN IIA; WNK1-Related HSAN2 (HSAN2A); MORVAN DISEASE; NEUROPATHY, CONGENITAL SENSORY. Identifiers: Orphanet 970, MedGen C2752089, MONDO:0024309, OMIM 201300.

Allele frequency attached by ClinVar (database versions not stated): gnomAD exomes 0.00001.
gnomAD v4.1: 12 of 1,614,068 alleles (0.00074%); highest among the groups gnomAD compares: South Asian, 0.013%; 2 homozygotes.

Submission:

Labcorp Genetics (formerly Invitae), Labcorp
Classification: Uncertain significance for Neuropathy, hereditary sensory and autonomic, type 2A; Pseudohypoaldosteronism type 2C. Last evaluated: 2023-07-17. Review status: criteria provided, single submitter. Criteria: Invitae Variant Classification Sherloc (09022015). Collection method: clinical testing. Allele origin: germline.
Comment: An algorithm developed to predict the effect of missense changes on protein structure and function (PolyPhen-2) suggests that this variant is likely to be disruptive. ClinVar contains an entry for this variant (Variation ID: 663737). This variant has not been reported in the literature in individuals affected with WNK1-related conditions. This variant is present in population databases (no rsID available, gnomAD 0.01%). This sequence change replaces glycine, which is neutral and non-polar, with arginine, which is basic and polar, at codon 2278 of the WNK1 protein (p.Gly2278Arg). In summary, the available evidence is currently insufficient to determine the role of this variant in disease. Therefore, it has been classified as a Variant of Uncertain Significance.